The following is an entry in ClinVar:

ClinVar aggregate classification (germline): Pathogenic (1 of 4 stars; one submission).

Submission:

Labcorp Genetics (formerly Invitae), Labcorp
Classification: Pathogenic. Last evaluated: 2023-11-13. Review status: criteria provided, single submitter. Criteria: Invitae Variant Classification Sherloc (09022015). Collection method: clinical testing. Allele origin: germline.
Comment: This sequence change creates a premature translational stop signal (p.Ser932Glnfs*26) in the TUBGCP6 gene. It is expected to result in an absent or disrupted protein product. Loss-of-function variants in TUBGCP6 are known to be pathogenic (PMID: 25344692). This variant is not present in population databases (gnomAD no frequency). This variant has not been reported in the literature in individuals affected with TUBGCP6-related conditions. ClinVar contains an entry for this variant (Variation ID: 1458600). For these reasons, this variant has been classified as Pathogenic.

Literature cited by the submitters: PubMed 25344692.

NM_020461.4(TUBGCP6):c.2793del (p.Ser932fs)

Gene: TUBGCP6 (tubulin gamma complex component 6; minus strand). Cytogenetic location: 22q13.33.
Variant type: Deletion.
Coding change: c.2793del on transcript NM_020461.4 (MANE Select); coding-DNA position 2793, one base deleted (C; older notation c.2793delC).
Protein change: p.Ser932fs; shifts the reading frame from serine 932.
Molecular consequence: frameshift variant.
Genome position (GRCh38, 1-based): chr22:50,221,566, G deleted on the plus strand (C on the coding strand, the reverse complement: TUBGCP6 is on the minus strand); the first of 6 consecutive G bases (chr22:50,221,566-50,221,571); deleting any one gives the same sequence. VCF-style (leftmost placement, unchanged base first): chr22-50221565-AG-A. GRCh37 (hg19) VCF-style: chr22-50659994-AG-A.
Other names: short protein forms S932fs.
Identifiers: ClinVar variation 1458600 (VCV001458600.6), dbSNP rs1299462712, ClinGen allele CA2573158259.